The following is an entry in ClinVar:

NM_002335.4(LRP5):c.1733G>A (p.Arg578Gln)

Gene: LRP5 (LDL receptor related protein 5; plus strand). Cytogenetic location: 11q13.2.
Variant type: single nucleotide variant.
Coding change: c.1733G>A on transcript NM_002335.4 (MANE Select); coding-DNA position 1733, G replaced by A.
Protein change: p.Arg578Gln; replaces arginine 578 with glutamine.
Molecular consequence: missense variant. On other transcripts: 5 prime UTR variant (1).
Genome position (GRCh38, 1-based): chr11:68,403,631, G>A. VCF-style: chr11-68403631-G-A. GRCh37 (hg19) VCF-style: chr11-68171099-G-A.
Other names: c.-205G>A (NM_001291902.2); short protein forms R578Q.
Identifiers: ClinVar variation 1026353 (VCV001026353.9), dbSNP rs752862568, ClinGen allele CA381614511.

ClinVar aggregate classification (germline): Uncertain significance (1 of 4 stars; one submission).

Allele frequency attached by ClinVar (database versions not stated): gnomAD exomes below 0.00001.
gnomAD v4.1: 3 of 1,614,160 alleles (0.00019%); highest among the groups gnomAD compares: East Asian, 0.0022%; no homozygotes.

Submission:

Labcorp Genetics (formerly Invitae), Labcorp
Classification: Uncertain significance. Last evaluated: 2020-08-08. Review status: criteria provided, single submitter. Criteria: Invitae Variant Classification Sherloc (09022015). Collection method: clinical testing. Allele origin: germline.
Comment: In summary, the available evidence is currently insufficient to determine the role of this variant in disease. Therefore, it has been classified as a Variant of Uncertain Significance. This variant disrupts the p.Arg578 amino acid residue in LRP5. Other variant(s) that disrupt this residue have been observed in individuals with LRP5-related conditions (PMID: 31237656), which suggests that this may be a clinically significant amino acid residue. Algorithms developed to predict the effect of missense changes on protein structure and function are either unavailable or do not agree on the potential impact of this missense change (SIFT: "Deleterious"; PolyPhen-2: "Benign"; Align-GVGD: "Class C35"). This variant has been observed in individual(s) with clinical features of exudative vitreoretinopathy (PMID: 31106028). This variant is not present in population databases (ExAC no frequency). This sequence change replaces arginine with glutamine at codon 578 of the LRP5 protein (p.Arg578Gln). The arginine residue is highly conserved and there is a small physicochemical difference between arginine and glutamine.

Literature cited by the submitters: PubMed 31237656; PubMed 31106028.